The following is an entry in ClinVar:

NM_000334.4(SCN4A):c.5205G>C (p.Gln1735His)

Genes: GH-LCR (growth hormone locus control region; plus strand), SCN4A (sodium voltage-gated channel alpha subunit 4; minus strand). Cytogenetic location: 17q23.3.
Variant type: single nucleotide variant.
Coding change: c.5205G>C on transcript NM_000334.4 (MANE Select); coding-DNA position 5205, G replaced by C.
Protein change: p.Gln1735His; replaces glutamine 1735 with histidine.
Molecular consequence: missense variant.
Genome position (GRCh38, 1-based): chr17:63,941,077, C>G on the plus strand (G>C on the coding strand, the complement: SCN4A is on the minus strand). VCF-style: chr17-63941077-C-G. GRCh37 (hg19) VCF-style: chr17-62018437-C-G.
Other names: short protein forms Q1735H.
Identifiers: ClinVar variation 324510 (VCV000324510.15), dbSNP rs199944673, ClinGen allele CA8708818.
Genomic context (GRCh38, chr17:63,941,077, plus strand): 5'-GCGGTACATGTAGGATGCCTGCTTCATGGAGCGCTGTAGCAGGTGCCGGCGGTAGGCCCT[C>G]TGGATCTTGATGGCGCACACCTCCTCGTGCTTCCTCTTGAGGGTGGTGGTGATGGGCTCG-3'
Protein context (NP_000325.4, residues 1725-1745): KHEEVCAIKI[Gln1735His]RAYRRHLLQR

ClinVar aggregate classification (germline): Conflicting classifications of pathogenicity. Review status: criteria provided, conflicting classifications (1 of 4 stars). 7 submissions from 3 submitters: Uncertain significance (3); Likely benign (4). Last evaluated 2025-10-30.

Conditions:
Congenital myasthenic syndrome 16. Identifiers: Orphanet 590, MedGen C3280112, MONDO:0013620, OMIM 614198.
Paramyotonia congenita of Von Eulenburg. Also called: Paramyotonia Congenita; PARALYSIS PERIODICA PARAMYOTONICA; Eulenburg disease; Myotonia congenita intermittens; Von Eulenburg paramyotonia congenita. Identifiers: Orphanet 684, MedGen C0221055, MONDO:0008195, OMIM 168300. Disease mechanism: loss of function.
Inborn genetic diseases. Identifiers: MedGen C0950123, MeSH D030342.
Hypokalemic periodic paralysis, type 2 (HOKPP2). Identifiers: Orphanet 681, MedGen C2750061, MONDO:0013234, OMIM 613345.
Hyperkalemic periodic paralysis. Also called: Familial hyperkalemic periodic paralysis; Gamstorp disease. Identifiers: Orphanet 682, MedGen C0238357, MONDO:0008224, OMIM 170500, HP:0007215.
Potassium-aggravated myotonia. Also called: Myotonia congenita, atypical, acetazolamide-responsive; MYOTONIA CONGENITA, ACETAZOLAMIDE-RESPONSIVE; MYOTONIA CONGENITA, ATYPICAL; SODIUM CHANNEL MUSCLE DISEASE. Identifiers: Orphanet 612, Orphanet 99734, Orphanet 99735, Orphanet 99736, MedGen C2931826, MONDO:0018959, OMIM 608390.

Allele frequency attached by ClinVar (database versions not stated): ExAC 0.00002; gnomAD exomes 0.00004 and 0.00002; gnomAD 0.00004; TOPMed 0.00003.
gnomAD v4.1: 71 of 1,613,958 alleles (0.0044%); highest among the groups gnomAD compares: Middle Eastern, 0.016%; no homozygotes.

Submissions (7):

Ambry Genetics
Classification: Uncertain significance for Inborn genetic diseases. Last evaluated: 2025-10-30. Review status: criteria provided, single submitter. Criteria: Ambry Variant Classification Scheme 2023. Collection method: clinical testing. Allele origin: germline.

Labcorp Genetics (formerly Invitae), Labcorp
Classification: Uncertain significance for Hyperkalemic periodic paralysis. Last evaluated: 2024-03-11. Review status: criteria provided, single submitter. Criteria: Invitae Variant Classification Sherloc (09022015). Collection method: clinical testing. Allele origin: germline.
Comment: This sequence change replaces glutamine, which is neutral and polar, with histidine, which is basic and polar, at codon 1735 of the SCN4A protein (p.Gln1735His). This variant is present in population databases (rs199944673, gnomAD 0.006%). This variant has not been reported in the literature in individuals affected with SCN4A-related conditions. ClinVar contains an entry for this variant (Variation ID: 324510). Advanced modeling of protein sequence and biophysical properties (such as structural, functional, and spatial information, amino acid conservation, physicochemical variation, residue mobility, and thermodynamic stability) performed at Invitae indicates that this missense variant is expected to disrupt SCN4A protein function with a positive predictive value of 95%. In summary, the available evidence is currently insufficient to determine the role of this variant in disease. Therefore, it has been classified as a Variant of Uncertain Significance.

Illumina Laboratory Services, Illumina
Classification: Uncertain significance for Congenital myasthenic syndrome 16. Last evaluated: 2018-01-12. Review status: criteria provided, single submitter. Criteria: ICSL Variant Classification Criteria 13 December 2019. Collection method: clinical testing. Allele origin: germline.

Illumina Laboratory Services, Illumina
Classification: Likely benign for Potassium-aggravated myotonia. Last evaluated: 2018-01-12. Review status: criteria provided, single submitter. Criteria: ICSL Variant Classification Criteria 13 December 2019. Collection method: clinical testing. Allele origin: germline.
Comment: This variant was observed in the ICSL laboratory as part of a predisposition screen in an ostensibly healthy population. It had not been previously curated by ICSL or reported in the Human Gene Mutation Database (HGMD: prior to June 1st, 2018), and was therefore a candidate for classification through an automated scoring system. Utilizing variant allele frequency, disease prevalence and penetrance estimates, and inheritance mode, an automated score was calculated to assess if this variant is too frequent to cause the disease. Based on the score and internal cut-off values, a variant classified as likely benign is not then subjected to further curation. The score for this variant resulted in a classification of likely benign for this disease.

Illumina Laboratory Services, Illumina
Classification: Likely benign for Hypokalemic periodic paralysis, type 2. Last evaluated: 2018-01-12. Review status: criteria provided, single submitter. Criteria: ICSL Variant Classification Criteria 13 December 2019. Collection method: clinical testing. Allele origin: germline.
Comment: the same text as in the submission from Illumina Laboratory Services, Illumina above.

Illumina Laboratory Services, Illumina
Classification: Likely benign for Paramyotonia congenita of Von Eulenburg. Last evaluated: 2018-01-12. Review status: criteria provided, single submitter. Criteria: ICSL Variant Classification Criteria 13 December 2019. Collection method: clinical testing. Allele origin: germline.
Comment: the same text as in the submission from Illumina Laboratory Services, Illumina above.

Illumina Laboratory Services, Illumina
Classification: Likely benign for Hyperkalemic periodic paralysis. Last evaluated: 2018-01-12. Review status: criteria provided, single submitter. Criteria: ICSL Variant Classification Criteria 13 December 2019. Collection method: clinical testing. Allele origin: germline.
Comment: the same text as in the submission from Illumina Laboratory Services, Illumina above.